The following is an entry in ClinVar:

NM_001845.6(COL4A1):c.4229T>C (p.Met1410Thr)

Gene: COL4A1 (collagen type IV alpha 1 chain; minus strand). Cytogenetic location: 13q34.
Variant type: single nucleotide variant.
Coding change: c.4229T>C on transcript NM_001845.6 (MANE Select); coding-DNA position 4229, T replaced by C.
Protein change: p.Met1410Thr; replaces methionine 1410 with threonine.
Molecular consequence: missense variant.
Genome position (GRCh38, 1-based): chr13:110,163,483, A>G on the plus strand (T>C on the coding strand, the complement: COL4A1 is on the minus strand). VCF-style: chr13-110163483-A-G. GRCh37 (hg19) VCF-style: chr13-110815830-A-G.
Other names: short protein forms M1410T.
Identifiers: ClinVar variation 311026 (VCV000311026.27), dbSNP rs200734000, ClinGen allele CA7046990.

ClinVar aggregate classification (germline): Benign/Likely benign. Review status: criteria provided, multiple submitters, no conflicts (2 of 4 stars). 6 submissions from 5 submitters: Benign (4); Likely benign (2). Last evaluated 2026-09-01.

Conditions:
Autosomal dominant familial hematuria-retinal arteriolar tortuosity-contractures syndrome. Also called: Hereditary Angiopathy with Nephropathy, Aneurysms, and Muscle Cramps (HANAC) Syndrome; Angiopathy, hereditary, with nephropathy, aneurysms, and muscle cramps. Identifiers: Orphanet 73229, MedGen C2673195, MONDO:0012726, OMIM 611773.
Brain small vessel disease 1 with or without ocular anomalies (BSVD1). Also called: Brain small vessel disease with or without ocular anomalies; BRAIN SMALL VESSEL DISEASE WITH HEMORRHAGE; GOULD SYNDROME 1; PORENCEPHALY, TYPE 1, AUTOSOMAL DOMINANT. Identifiers: Orphanet 2940, Orphanet 36383, Orphanet 99810, MedGen C4755307, MONDO:0008289, OMIM 175780.

Allele frequency attached by ClinVar (database versions not stated): gnomAD exomes 0.00036 and 0.00177; 1000 Genomes Project 0.00040; gnomAD 0.00060 and 0.00061; 1000 Genomes Project 30x 0.00062; TOPMed 0.00111; ExAC 0.00136.

Submissions (6):

CeGaT Center for Human Genetics Tuebingen
Classification: Likely benign. Last evaluated: 2026-09-01. Review status: criteria provided, single submitter. Criteria: CeGaT Center For Human Genetics Tuebingen Variant Classification Criteria Version 2. Collection method: clinical testing. Allele origin: germline. Affected: yes. Observed: 6 variant alleles.
Comment: COL4A1: BP4, BS1

Labcorp Genetics (formerly Invitae), Labcorp
Classification: Benign. Last evaluated: 2026-01-22. Review status: criteria provided, single submitter. Criteria: Invitae Variant Classification Sherloc (09022015). Collection method: clinical testing. Allele origin: germline.

Blueprint Genetics
Classification: Likely benign. Last evaluated: 2024-03-15. Review status: criteria provided, single submitter. Criteria: ACMG Guidelines, 2015. Collection method: clinical testing. Allele origin: germline.

GeneDx
Classification: Benign. Last evaluated: 2021-03-03. Review status: criteria provided, single submitter. Criteria: GeneDx Variant Classification Process June 2021. Collection method: clinical testing. Allele origin: germline. Affected: yes.

Illumina Laboratory Services, Illumina
Classification: Benign for Brain small vessel disease 1 with or without ocular anomalies. Last evaluated: 2018-01-12. Review status: criteria provided, single submitter. Criteria: ICSL Variant Classification Criteria 13 December 2019. Collection method: clinical testing. Allele origin: germline.
Comment: This variant was observed in the ICSL laboratory as part of a predisposition screen in an ostensibly healthy population. It had not been previously curated by ICSL or reported in the Human Gene Mutation Database (HGMD: prior to June 1st, 2018), and was therefore a candidate for classification through an automated scoring system. Utilizing variant allele frequency, disease prevalence and penetrance estimates, and inheritance mode, an automated score was calculated to assess if this variant is too frequent to cause the disease. Based on the score and internal cut-off values, a variant classified as benign is not then subjected to further curation. The score for this variant resulted in a classification of benign for this disease.

Illumina Laboratory Services, Illumina
Classification: Benign for Autosomal dominant familial hematuria-retinal arteriolar tortuosity-contractures syndrome. Last evaluated: 2018-01-12. Review status: criteria provided, single submitter. Criteria: ICSL Variant Classification Criteria 13 December 2019. Collection method: clinical testing. Allele origin: germline.
Comment: the same text as in the submission from Illumina Laboratory Services, Illumina above.